The following is an entry in ClinVar:

NM_000540.3(RYR1):c.7640C>T (p.Ala2547Val)

Gene: RYR1 (ryanodine receptor 1; plus strand). Cytogenetic location: 19q13.2.
Variant type: single nucleotide variant.
Coding change: c.7640C>T on transcript NM_000540.3 (MANE Select); coding-DNA position 7640, C replaced by T.
Protein change: p.Ala2547Val; replaces alanine 2547 with valine.
Molecular consequence: missense variant.
Genome position (GRCh38, 1-based): chr19:38,502,532, C>T. VCF-style: chr19-38502532-C-T. GRCh37 (hg19) VCF-style: chr19-38993172-C-T.
Other names: c.7640C>T, p.Ala2547Val (NM_001042723.2); short protein forms A2547V.
Identifiers: ClinVar variation 329065 (VCV000329065.13), dbSNP rs751482960, ClinGen allele CA069906.
Genomic context (GRCh38, chr19:38,502,532, plus strand): 5'-TGCAGCGGGCCTGATGTCCTCACCCTGCGCCCTAGGCCACTTTCAGCACCACCGAGATGG[C>T]GCTGGCGCTGAACCGCTACCTGTGCCTGGCCGTGCTGCCGCTCATCACCAAGTGTGCGCC-3'
Protein context (NP_000531.2, residues 2537-2557): DTATFSTTEM[Ala2547Val]LALNRYLCLA

ClinVar aggregate classification (germline): Uncertain significance. Review status: criteria provided, multiple submitters, no conflicts (2 of 4 stars). 5 submissions from 4 submitters: Uncertain significance (5). Last evaluated 2025-12-16.

Conditions:
RYR1-related disorder. Also called: RYR1-related condition; RYR1-related disorders. Identifiers: MedGen CN239331.
Malignant hyperthermia, susceptibility to, 1 (MHS1). Also called: Anesthesia related hyperthermia; Malignant hyperpyrexia; Fulminating hyperpyrexia; Pharmacogenic myopathy; RYR1-Related Malignant Hyperthermia Susceptibility; Malignant hyperthermia suceptibility 1. Identifiers: Orphanet 423, MedGen C2930980, MONDO:0007783, OMIM 145600.
Congenital multicore myopathy with external ophthalmoplegia (CMYO1B). Also called: MULTICORE MYOPATHY; Minicore myopathy with external ophthalmoplegia; Congenital myopathy 1B, autosomal recessive; Minicore myopathy; MULTIMINICORE DISEASE WITH EXTERNAL OPHTHALMOPLEGIA. Identifiers: Orphanet 598, Orphanet 98905, MedGen C1850674, MONDO:0009712, OMIM 255320, HP:0003789.

Allele frequency attached by ClinVar (database versions not stated): gnomAD exomes 0.00001 and below 0.00001; TOPMed below 0.00001; ExAC 0.00001; gnomAD 0.00001.

Submissions (5):

Labcorp Genetics (formerly Invitae), Labcorp
Classification: Uncertain significance for RYR1-related disorder. Last evaluated: 2025-12-16. Review status: criteria provided, single submitter. Criteria: Invitae Variant Classification Sherloc (09022015). Collection method: clinical testing. Allele origin: germline.
Comment: This sequence change replaces alanine, which is neutral and non-polar, with valine, which is neutral and non-polar, at codon 2547 of the RYR1 protein (p.Ala2547Val). The frequency data for this variant in the population databases is considered unreliable, as metrics indicate poor data quality at this position in the gnomAD database. This variant has not been reported in the literature in individuals affected with RYR1-related conditions. ClinVar contains an entry for this variant (Variation ID: 329065). Invitae Evidence Modeling of protein sequence and biophysical properties (such as structural, functional, and spatial information, amino acid conservation, physicochemical variation, residue mobility, and thermodynamic stability) indicates that this missense variant is not expected to disrupt RYR1 protein function with a negative predictive value of 80%. In summary, the available evidence is currently insufficient to determine the role of this variant in disease. Therefore, it has been classified as a Variant of Uncertain Significance.

Color Diagnostics, LLC DBA Color Health
Classification: Uncertain significance for Malignant hyperthermia, susceptibility to, 1. Last evaluated: 2025-06-18. Review status: criteria provided, single submitter. Criteria: ACMG Guidelines, 2015. Collection method: clinical testing. Allele origin: germline.
Comment: This missense variant replaces alanine with valine at codon 2547 of the RYR1 protein. Computational prediction suggests that this variant may have deleterious impact on protein structure and function. To our knowledge, functional studies have not been reported for this variant. This variant has not been reported in individuals affected with RYR1-related disorders in the literature. This variant has been identified in 1/247082 chromosomes in the general population by the Genome Aggregation Database (gnomAD). The available evidence is insufficient to determine the role of this variant in disease conclusively. Therefore, this variant is classified as a Variant of Uncertain Significance.

GeneDx
Classification: Uncertain significance. Last evaluated: 2025-01-16. Review status: criteria provided, single submitter. Criteria: GeneDx Variant Classification Process June 2021. Collection method: clinical testing. Allele origin: germline. Affected: yes.
Comment: Not observed at significant frequency in large population cohorts (gnomAD); In silico analysis supports that this missense variant has a deleterious effect on protein structure/function; Has not been previously published as pathogenic or benign to our knowledge

Illumina Laboratory Services, Illumina
Classification: Uncertain significance for Malignant hyperthermia, susceptibility to, 1. Last evaluated: 2018-01-12. Review status: criteria provided, single submitter. Criteria: ICSL Variant Classification Criteria 13 December 2019. Collection method: clinical testing. Allele origin: germline.

Illumina Laboratory Services, Illumina
Classification: Uncertain significance for Congenital multicore myopathy with external ophthalmoplegia. Last evaluated: 2018-01-12. Review status: criteria provided, single submitter. Criteria: ICSL Variant Classification Criteria 13 December 2019. Collection method: clinical testing. Allele origin: germline.